The following is an entry in ClinVar:

NM_001387430.1(SH2B1):c.1260C>A (p.Ser420Arg)

Gene: SH2B1 (SH2B adaptor protein 1; plus strand). Cytogenetic location: 16p11.2.
Variant type: single nucleotide variant.
Coding change: c.1260C>A on transcript NM_001387430.1 (MANE Select); coding-DNA position 1260, C replaced by A.
Protein change: p.Ser420Arg; replaces serine 420 with arginine.
Molecular consequence: missense variant.
Genome position (GRCh38, 1-based): chr16:28,869,334, C>A. VCF-style: chr16-28869334-C-A. GRCh37 (hg19) VCF-style: chr16-28880655-C-A.
Other names: c.1260C>A, p.Ser420Arg (NM_001145795.2, NM_001145796.2, NM_001145797.2 and 4 more transcripts); c.252C>A, p.Ser84Arg (NM_001308294.2); short protein forms S84R, S420R.
Identifiers: ClinVar variation 4991513 (VCV004991513.1).

ClinVar aggregate classification (germline): Uncertain significance (1 of 4 stars; one submission).

Conditions:
SH2B1-related disorder. Also called: SH2B1-related condition.

Submission:

PreventionGenetics, part of Exact Sciences
Classification: Uncertain significance for SH2B1-related condition. Last evaluated: 2026-06-09. Review status: criteria provided, single submitter. Criteria: ACMG Guidelines, 2015. Collection method: clinical testing. Allele origin: germline.
Comment: The SH2B1 c.1260C>A variant is predicted to result in the amino acid substitution p.Ser420Arg. To our knowledge, this variant has not been reported in the literature or in a large population database (gnomAD), indicating this variant is rare. At this time, the clinical significance of this variant is uncertain due to the absence of conclusive functional and genetic evidence.